The following is an entry in ClinVar:

ClinVar aggregate classification (germline): Pathogenic/Likely pathogenic. Review status: criteria provided, multiple submitters, no conflicts (2 of 4 stars). 3 submissions from 3 submitters: Pathogenic (2); Likely pathogenic (1). Last evaluated 2025-07-14.

Conditions:
Inborn genetic diseases. Identifiers: MedGen C0950123, MeSH D030342.
Multiple congenital anomalies-hypotonia-seizures syndrome 1 (MCAHS1). Also called: PIGN-CDG; Congenital disorder of glycosylation due to PIGN deficiency; GLYCOSYLPHOSPHATIDYLINOSITOL BIOSYNTHESIS DEFECT 3. Identifiers: Orphanet 280633, MedGen C3279775, MONDO:0013563, OMIM 614080.

Allele frequency attached by ClinVar (database versions not stated): gnomAD exomes 0.00001.
gnomAD v4.1: 13 of 1,549,320 alleles (0.00084%); highest among the groups gnomAD compares: South Asian, 0.0012%; no homozygotes.

Submissions (3):

Labcorp Genetics (formerly Invitae), Labcorp
Classification: Pathogenic for Multiple congenital anomalies-hypotonia-seizures syndrome 1. Last evaluated: 2025-07-14. Review status: criteria provided, single submitter. Criteria: Invitae Variant Classification Sherloc (09022015). Collection method: clinical testing. Allele origin: germline.
Comment: This sequence change creates a premature translational stop signal (p.Arg613*) in the PIGN gene. It is expected to result in an absent or disrupted protein product. Loss-of-function variants in PIGN are known to be pathogenic (PMID: 24253414, 27038415). This variant is not present in population databases (gnomAD no frequency). This premature translational stop signal has been observed in individual(s) with clinical features of PIGN-related conditions (internal data). ClinVar contains an entry for this variant (Variation ID: 1012441). Algorithms developed to predict the effect of sequence changes on RNA splicing suggest that this variant may disrupt the consensus splice site. For these reasons, this variant has been classified as Pathogenic.

CeGaT Center for Human Genetics Tuebingen
Classification: Likely pathogenic. Last evaluated: 2021-02-01. Review status: criteria provided, single submitter. Criteria: CeGaT Center For Human Genetics Tuebingen Variant Classification Criteria Version 2. Collection method: clinical testing. Allele origin: germline. Affected: yes. Observed: 2 variant alleles.

Ambry Genetics
Classification: Pathogenic for Inborn genetic diseases. Last evaluated: 2017-09-27. Review status: criteria provided, single submitter. Criteria: Ambry Variant Classification Scheme 2023. Collection method: clinical testing. Allele origin: germline.
Comment: The p.R613* pathogenic mutation (also known as c.1837C>T), located in coding exon 17 of the PIGN gene, results from a C to T substitution at nucleotide position 1837. This changes the amino acid from an arginine to a stop codon within coding exon 17. This alteration is expected to result in loss of function by premature protein truncation or nonsense-mediated mRNA decay. As such, this alteration is interpreted as a disease-causing mutation.

Literature cited by the submitters: PubMed 24253414 (cited by Labcorp Genetics (formerly Invitae), Labcorp); PubMed 27038415 (cited by Labcorp Genetics (formerly Invitae), Labcorp).

NM_176787.5(PIGN):c.1837C>T (p.Arg613Ter)

Gene: PIGN (phosphatidylinositol glycan anchor biosynthesis class N; minus strand). Cytogenetic location: 18q21.33.
Variant type: single nucleotide variant.
Coding change: c.1837C>T on transcript NM_176787.5 (MANE Select); coding-DNA position 1837, C replaced by T.
Protein change: p.Arg613Ter; replaces arginine 613 with a stop codon.
Molecular consequence: nonsense.
Genome position (GRCh38, 1-based): chr18:62,105,565, G>A on the plus strand (C>T on the coding strand, the complement: PIGN is on the minus strand). VCF-style: chr18-62105565-G-A. GRCh37 (hg19) VCF-style: chr18-59772798-G-A.
Other names: c.1837C>T, p.Arg613Ter (NM_012327.6); short protein forms R613*.
Identifiers: ClinVar variation 1012441 (VCV001012441.47), dbSNP rs765995917, ClinGen allele CA301704785.